The following is an entry in ClinVar:

NM_012168.6(FBXO2):c.22+8A>C

Gene: FBXO2 (F-box protein 2; minus strand). Cytogenetic location: 1p36.22.
Variant type: single nucleotide variant.
Coding change: c.22+8A>C on transcript NM_012168.6 (MANE Select); 8 bases into the intron after coding-DNA position 22, A replaced by C.
Molecular consequence: intron variant.
Genome position (GRCh38, 1-based): chr1:11,654,311, T>G on the plus strand (A>C on the coding strand, the complement: FBXO2 is on the minus strand). VCF-style: chr1-11654311-T-G. GRCh37 (hg19) VCF-style: chr1-11714368-T-G.
Identifiers: ClinVar variation 3059510 (VCV003059510.2), dbSNP rs2272983, ClinGen allele CA592983.

ClinVar aggregate classification (germline): Benign (0 of 4 stars; one submission).

Conditions:
FBXO2-related disorder. Also called: FBXO2-related condition.

Allele frequency attached by ClinVar (database versions not stated): ExAC 0.75440; 1000 Genomes Project 0.79912; gnomAD 0.79990; 1000 Genomes Project 30x 0.80122; TOPMed 0.80167; ESP Exome Variant Server 0.81395.
gnomAD v4.1: 1,171,752 of 1,480,162 alleles (79%); highest among the groups gnomAD compares: Admixed American, 87%; 464,722 homozygotes.

Submission:

PreventionGenetics, part of Exact Sciences
Classification: Benign for FBXO2-related condition. Last evaluated: 2019-10-17. Review status: no assertion criteria provided. Collection method: clinical testing. Allele origin: germline.
Comment: This variant is classified as benign based on ACMG/AMP sequence variant interpretation guidelines (Richards et al. 2015 PMID: 25741868, with internal and published modifications).